The following is an entry in ClinVar:

NM_025216.3(WNT10A):c.550C>T (p.Arg184Cys)

Gene: WNT10A (Wnt family member 10A; plus strand). Cytogenetic location: 2q35.
Variant type: single nucleotide variant.
Coding change: c.550C>T on transcript NM_025216.3 (MANE Select); coding-DNA position 550, C replaced by T.
Protein change: p.Arg184Cys; replaces arginine 184 with cysteine.
Molecular consequence: missense variant.
Genome position (GRCh38, 1-based): chr2:218,890,157, C>T. VCF-style: chr2-218890157-C-T. GRCh37 (hg19) VCF-style: chr2-219754879-C-T.
Other names: short protein forms R184C.
Identifiers: ClinVar variation 4987082 (VCV004987082.1).

ClinVar aggregate classification (germline): Uncertain significance (1 of 4 stars; one submission).

Conditions:
WNT10A-related disorder. Also called: WNT10A-related condition; WNT10A-related disorders.

gnomAD v4.1: 21 of 1,614,150 alleles (0.0013%); highest among the groups gnomAD compares: Admixed American, 0.0067%; no homozygotes.

Submission:

PreventionGenetics, part of Exact Sciences
Classification: Uncertain significance for WNT10A-related condition. Last evaluated: 2025-04-29. Review status: criteria provided, single submitter. Criteria: ACMG Guidelines, 2015. Collection method: clinical testing. Allele origin: germline.
Comment: The WNT10A c.550C>T variant is predicted to result in the amino acid substitution p.Arg184Cys. To our knowledge, this variant has not been reported in the literature. An alternate variant impacting the same amino acid (c.551G>A (p.Arg184His)) has been reported in the compound heterozygous state in an individual with ectodermal derivative impairment (EDI) (Table 2, Guazzarotti et al. 2018. PubMed ID: 28976000). This variant is reported in 0.0029% of alleles in individuals of Latino descent in gnomAD. At this time, the clinical significance of this variant is uncertain due to the absence of conclusive functional and genetic evidence.